The following is an entry in ClinVar:

NM_020821.3(VPS13C):c.9824G>T (p.Gly3275Val)

Gene: VPS13C (vacuolar protein sorting 13 homolog C; minus strand). Cytogenetic location: 15q22.2.
Variant type: single nucleotide variant.
Coding change: c.9824G>T on transcript NM_020821.3 (MANE Select); coding-DNA position 9824, G replaced by T.
Protein change: p.Gly3275Val; replaces glycine 3275 with valine.
Molecular consequence: missense variant.
Genome position (GRCh38, 1-based): chr15:61,880,907, C>A on the plus strand (G>T on the coding strand, the complement: VPS13C is on the minus strand). VCF-style: chr15-61880907-C-A. GRCh37 (hg19) VCF-style: chr15-62173106-C-A.
Other names: c.9824G>T, p.Gly3275Val (NM_001018088.3); c.9695G>T, p.Gly3232Val (NM_017684.5, NM_018080.4); short protein forms G3275V, G3232V.
Identifiers: ClinVar variation 1957404 (VCV001957404.5), dbSNP rs566274532, ClinGen allele CA7594517.

ClinVar aggregate classification (germline): Uncertain significance (1 of 4 stars; one submission).

gnomAD v4.1: 3 of 1,609,930 alleles (0.00019%); highest among the groups gnomAD compares: East Asian, 0.0045%; no homozygotes.

Submission:

Labcorp Genetics (formerly Invitae), Labcorp
Classification: Uncertain significance. Last evaluated: 2022-04-11. Review status: criteria provided, single submitter. Criteria: Invitae Variant Classification Sherloc (09022015). Collection method: clinical testing. Allele origin: germline.
Comment: Algorithms developed to predict the effect of missense changes on protein structure and function are either unavailable or do not agree on the potential impact of this missense change (SIFT: "Deleterious"; PolyPhen-2: "Possibly Damaging"; Align-GVGD: "Class C15"). This variant has not been reported in the literature in individuals affected with VPS13C-related conditions. This variant is present in population databases (rs566274532, gnomAD 0.006%). This sequence change replaces glycine, which is neutral and non-polar, with valine, which is neutral and non-polar, at codon 3275 of the VPS13C protein (p.Gly3275Val). In summary, the available evidence is currently insufficient to determine the role of this variant in disease. Therefore, it has been classified as a Variant of Uncertain Significance.